The following is an entry in ClinVar:

ClinVar aggregate classification (germline): Likely pathogenic (1 of 4 stars; one submission).

Submission:

GeneDx
Classification: Likely pathogenic. Last evaluated: 2019-10-30. Review status: criteria provided, single submitter. Criteria: GeneDx Variant Classification (06012015). Collection method: clinical testing. Allele origin: germline. Affected: yes.
Comment: Some splice predictor models indicate that this sequence change may damage the natural splice acceptor site in intron 15, which may cause abnormal gene splicing; however, in the absence of RNA/functional studies, the actual effect of this sequence change in this individual is unknown. The c.5863-6T>G variant is not observed in large population cohorts (Lek et al., 2016). Therefore, we interpret c.5863-6T>G as a likely pathogenic variant.

NM_032776.3(JMJD1C):c.5863-6T>G

Gene: JMJD1C (jumonji domain containing 1C; minus strand). Cytogenetic location: 10q21.3.
Variant type: single nucleotide variant.
Coding change: c.5863-6T>G on transcript NM_032776.3 (MANE Select); 6 bases into the intron before coding-DNA position 5863, T replaced by G.
Molecular consequence: intron variant.
Genome position (GRCh38, 1-based): chr10:63,193,157, A>C on the plus strand (T>G on the coding strand, the complement: JMJD1C is on the minus strand). VCF-style: chr10-63193157-A-C. GRCh37 (hg19) VCF-style: chr10-64952917-A-C.
Other names: c.5206-6T>G (NM_001322258.2, NM_001322254.2); c.5317-6T>G (NM_001318154.2, NM_001282948.2); c.5749-6T>G (NM_001322252.2); c.4999-6T>G (NM_001318153.2).
Identifiers: ClinVar variation 804311 (VCV000804311.1), dbSNP rs1589111139, ClinGen allele CA915945929.